The following is an entry in ClinVar:

ClinVar aggregate classification (germline): Uncertain significance (1 of 4 stars; one submission).

Submission:

GeneDx
Classification: Uncertain significance. Last evaluated: 2024-11-04. Review status: criteria provided, single submitter. Criteria: GeneDx Variant Classification Process June 2021. Collection method: clinical testing. Allele origin: germline. Affected: yes.
Comment: Not observed at significant frequency in large population cohorts (gnomAD); In silico analysis supports that this missense variant has a deleterious effect on protein structure/function; Has not been previously published as pathogenic or benign to our knowledge

NM_002047.4(GARS1):c.2017G>A (p.Asp673Asn)

Gene: GARS1 (glycyl-tRNA synthetase 1; plus strand). Cytogenetic location: 7p14.3.
Variant type: single nucleotide variant.
Coding change: c.2017G>A on transcript NM_002047.4 (MANE Select); coding-DNA position 2017, G replaced by A.
Protein change: p.Asp673Asn; replaces aspartic acid 673 with asparagine.
Molecular consequence: missense variant.
Genome position (GRCh38, 1-based): chr7:30,632,360, G>A. VCF-style: chr7-30632360-G-A. GRCh37 (hg19) VCF-style: chr7-30671976-G-A.
Other names: c.1855G>A, p.Asp619Asn (NM_001316772.1); short protein forms D619N, D673N.
Identifiers: ClinVar variation 3897527 (VCV003897527.1).